The following is an entry in ClinVar:

NM_012233.3(RAB3GAP1):c.2024A>G (p.Gln675Arg)

Gene: RAB3GAP1 (RAB3 GTPase activating protein catalytic subunit 1; plus strand). Cytogenetic location: 2q21.3.
Variant type: single nucleotide variant.
Coding change: c.2024A>G on transcript NM_012233.3 (MANE Select); coding-DNA position 2024, A replaced by G.
Protein change: p.Gln675Arg; replaces glutamine 675 with arginine.
Molecular consequence: missense variant.
Genome position (GRCh38, 1-based): chr2:135,150,469, A>G. VCF-style: chr2-135150469-A-G. GRCh37 (hg19) VCF-style: chr2-135908039-A-G.
Other names: c.2024A>G, p.Gln675Arg (NM_001172435.2); short protein forms Q675R.
Identifiers: ClinVar variation 2068157 (VCV002068157.4), dbSNP rs2468256003, ClinGen allele CA348581518.

ClinVar aggregate classification (germline): Uncertain significance (1 of 4 stars; one submission).

Allele frequency attached by ClinVar (database versions not stated): gnomAD exomes below 0.00001.
gnomAD v4.1: 1 of 1,614,236 alleles (0.000062%); highest among the groups gnomAD compares: Non-Finnish European, 0.000085%; no homozygotes.

Submission:

Labcorp Genetics (formerly Invitae), Labcorp
Classification: Uncertain significance. Last evaluated: 2022-01-01. Review status: criteria provided, single submitter. Criteria: Invitae Variant Classification Sherloc (09022015). Collection method: clinical testing. Allele origin: germline.
Comment: In summary, the available evidence is currently insufficient to determine the role of this variant in disease. Therefore, it has been classified as a Variant of Uncertain Significance. Algorithms developed to predict the effect of missense changes on protein structure and function are either unavailable or do not agree on the potential impact of this missense change (SIFT: "Tolerated"; PolyPhen-2: "Probably Damaging"; Align-GVGD: "Class C0"). This variant has not been reported in the literature in individuals affected with RAB3GAP1-related conditions. This variant is not present in population databases (gnomAD no frequency). This sequence change replaces glutamine, which is neutral and polar, with arginine, which is basic and polar, at codon 675 of the RAB3GAP1 protein (p.Gln675Arg).